The following is an entry in ClinVar:

NM_138694.4(PKHD1):c.2378G>A (p.Arg793His)

Gene: PKHD1 (PKHD1 ciliary IPT domain containing fibrocystin/polyductin; minus strand). Cytogenetic location: 6p12.2.
Variant type: single nucleotide variant.
Coding change: c.2378G>A on transcript NM_138694.4 (MANE Select); coding-DNA position 2378, G replaced by A.
Protein change: p.Arg793His; replaces arginine 793 with histidine.
Molecular consequence: missense variant.
Genome position (GRCh38, 1-based): chr6:52,048,521, C>T on the plus strand (G>A on the coding strand, the complement: PKHD1 is on the minus strand). VCF-style: chr6-52048521-C-T. GRCh37 (hg19) VCF-style: chr6-51913319-C-T.
Other names: c.2378G>A, p.Arg793His (NM_170724.3); c.2378G>A (NM_138694.3); short protein forms R793H.
Identifiers: ClinVar variation 498827 (VCV000498827.8), dbSNP rs138620202, ClinGen allele CA3853238.

ClinVar aggregate classification (germline): Uncertain significance. Review status: criteria provided, multiple submitters, no conflicts (2 of 4 stars). 3 submissions from 3 submitters: Uncertain significance (3). Last evaluated 2024-08-05.

Conditions:
Inborn genetic diseases. Identifiers: MedGen C0950123, MeSH D030342.

Allele frequency attached by ClinVar (database versions not stated): gnomAD 0.00001; gnomAD exomes 0.00002; TOPMed 0.00002; ESP Exome Variant Server 0.00008; ExAC 0.00002.
gnomAD v4.1: 28 of 1,613,942 alleles (0.0017%); highest among the groups gnomAD compares: South Asian, 0.0033%; no homozygotes.

Submissions (3):

GeneDx
Classification: Uncertain significance. Last evaluated: 2024-08-05. Review status: criteria provided, single submitter. Criteria: GeneDx Variant Classification Process June 2021. Collection method: clinical testing. Allele origin: germline. Affected: yes.
Comment: Not observed at significant frequency in large population cohorts (gnomAD); In silico analysis indicates that this missense variant does not alter protein structure/function; In silico analysis is inconclusive as to whether the variant alters gene splicing. In the absence of RNA/functional studies, the actual effect of this sequence change is unknown.; Has not been previously published as pathogenic or benign to our knowledge

Ambry Genetics
Classification: Uncertain significance for Inborn genetic diseases. Last evaluated: 2023-03-07. Review status: criteria provided, single submitter. Criteria: Ambry Variant Classification Scheme 2023. Collection method: clinical testing. Allele origin: germline.

Eurofins Ntd Llc (ga)
Classification: Uncertain significance. Last evaluated: 2016-11-23. Review status: criteria provided, single submitter. Criteria: EGL Classification Definitions 2015. Collection method: clinical testing. Allele origin: germline. Observed: 1 variant allele, 1 heterozygote.